The following is an entry in ClinVar:

NM_001378454.1(ALMS1):c.968C>G (p.Thr323Ser)

Gene: ALMS1 (ALMS1 centrosome and basal body associated protein; plus strand). Cytogenetic location: 2p13.1.
Variant type: single nucleotide variant.
Coding change: c.968C>G on transcript NM_001378454.1 (MANE Select); coding-DNA position 968, C replaced by G.
Protein change: p.Thr323Ser; replaces threonine 323 with serine.
Molecular consequence: missense variant.
Genome position (GRCh38, 1-based): chr2:73,424,633, C>G. VCF-style: chr2-73424633-C-G. GRCh37 (hg19) VCF-style: chr2-73651761-C-G.
Other names: c.971C>G, p.Thr324Ser (NM_015120.4); short protein forms T323S, T324S.
Identifiers: ClinVar variation 2139342 (VCV002139342.2), dbSNP rs1310399994, ClinGen allele CA347261079.

ClinVar aggregate classification (germline): Conflicting classifications of pathogenicity. Review status: criteria provided, conflicting classifications (1 of 4 stars). 2 submissions from 2 submitters: Uncertain significance (1); Likely benign (1). Last evaluated 2025-08-05.

Conditions:
Cardiovascular phenotype. Identifiers: MedGen CN230736.
Alstrom syndrome (ALMS). Identifiers: Orphanet 64, MedGen C0268425, MONDO:0008763, OMIM 203800.

gnomAD v4.1: 1 of 1,613,948 alleles (0.000062%); no homozygotes.

Submissions (2):

Ambry Genetics
Classification: Likely benign for Cardiovascular phenotype. Last evaluated: 2025-08-05. Review status: criteria provided, single submitter. Criteria: Ambry Variant Classification Scheme 2023. Collection method: clinical testing. Allele origin: germline.

Labcorp Genetics (formerly Invitae), Labcorp
Classification: Uncertain significance for Alstrom syndrome. Last evaluated: 2022-04-12. Review status: criteria provided, single submitter. Criteria: Invitae Variant Classification Sherloc (09022015). Collection method: clinical testing. Allele origin: germline.
Comment: This sequence change replaces threonine, which is neutral and polar, with serine, which is neutral and polar, at codon 324 of the ALMS1 protein (p.Thr324Ser). This variant is not present in population databases (gnomAD no frequency). This variant has not been reported in the literature in individuals affected with ALMS1-related conditions. Experimental studies and prediction algorithms are not available or were not evaluated, and the functional significance of this variant is currently unknown. In summary, the available evidence is currently insufficient to determine the role of this variant in disease. Therefore, it has been classified as a Variant of Uncertain Significance.